The following is an entry in ClinVar:

NM_001308093.3(GATA4):c.346T>C (p.Ser116Pro)

Gene: GATA4 (GATA binding protein 4). Cytogenetic location: 8p23.1.
Variant type: single nucleotide variant.
Coding change: c.346T>C on transcript NM_001308093.3 (MANE Select); coding-DNA position 346, T replaced by C.
Protein change: p.Ser116Pro; replaces serine 116 with proline.
Molecular consequence: missense variant. On other transcripts: intron variant (3).
Genome position (GRCh38, 1-based): chr8:11,708,658, T>C. VCF-style: chr8-11708658-T-C. GRCh37 (hg19) VCF-style: chr8-11566167-T-C.
Other names: c.346T>C, p.Ser116Pro (NM_002052.5); c.-6+7880T>C (NM_001308094.2); c.-3+644T>C (NM_001374274.1); c.-3+4354T>C (NM_001374273.1); short protein forms S116P.
Identifiers: ClinVar variation 5022232 (VCV005022232.1).

ClinVar aggregate classification (germline): Uncertain significance (1 of 4 stars; one submission).

Conditions:
Cardiovascular phenotype. Identifiers: MedGen CN230736.

gnomAD v4.1: 1 of 1,305,494 alleles (0.000077%); no homozygotes.

Submission:

Ambry Genetics
Classification: Uncertain significance for Cardiovascular phenotype. Last evaluated: 2026-07-04. Review status: criteria provided, single submitter. Criteria: Ambry Variant Classification Scheme 2023. Collection method: clinical testing. Allele origin: germline.
Comment: The p.S116P variant (also known as c.346T>C), located in coding exon 1 of the GATA4 gene, results from a T to C substitution at nucleotide position 346. The serine at codon 116 is replaced by proline, an amino acid with similar properties. This amino acid position is conserved. In addition, the in silico prediction for this alteration is inconclusive. Based on the available evidence, the clinical significance of this variant remains unclear.